The following is an entry in ClinVar:

NM_000435.3(NOTCH3):c.6092G>A (p.Arg2031His)

Gene: NOTCH3 (notch receptor 3; minus strand). Cytogenetic location: 19p13.12.
Variant type: single nucleotide variant.
Coding change: c.6092G>A on transcript NM_000435.3 (MANE Select); coding-DNA position 6092, G replaced by A.
Protein change: p.Arg2031His; replaces arginine 2031 with histidine.
Molecular consequence: missense variant.
Genome position (GRCh38, 1-based): chr19:15,161,536, C>T on the plus strand (G>A on the coding strand, the complement: NOTCH3 is on the minus strand). VCF-style: chr19-15161536-C-T. GRCh37 (hg19) VCF-style: chr19-15272347-C-T.
Other names: short protein forms R2031H.
Identifiers: ClinVar variation 994011 (VCV000994011.32), dbSNP rs779314594, ClinGen allele CA9262431.
Genomic context (GRCh38, chr19:15,161,536, plus strand): 5'-GGGAGGAAGGCCCCTGGAGGACAGAGCAGAGGCCCCAGGCCGTGGGGACCGGGGGGGCTG[C>T]GGGGCCCACTGGGTTGATCCAGCAAGCGCACGATGTCCTGGTGCAGTCTCTCCTGGGCTA-3'
Protein context (NP_000426.2, residues 2021-2041): VRLLDQPSGP[Arg2031His]SPPGPHGLGP

ClinVar aggregate classification (germline): Conflicting classifications of pathogenicity. Review status: criteria provided, conflicting classifications (1 of 4 stars). 3 submissions from 3 submitters: Uncertain significance (1); Likely benign (2). Last evaluated 2025-01-01.

Allele frequency attached by ClinVar (database versions not stated): ExAC 0.00009; gnomAD exomes 0.00003 and 0.00006; gnomAD 0.00004 and 0.00005; TOPMed 0.00004.
gnomAD v4.1: 60 of 1,603,404 alleles (0.0037%); highest among the groups gnomAD compares: Middle Eastern, 0.033%; no homozygotes.

Submissions (3):

CeGaT Center for Human Genetics Tuebingen
Classification: Likely benign. Last evaluated: 2025-01-01. Review status: criteria provided, single submitter. Criteria: CeGaT Center For Human Genetics Tuebingen Variant Classification Criteria Version 2. Collection method: clinical testing. Allele origin: germline. Affected: yes. Observed: 2 variant alleles.
Comment: NOTCH3: PP2, BP4, BS1:Supporting

Athena Diagnostics
Classification: Likely benign. Last evaluated: 2020-02-19. Review status: criteria provided, single submitter. Criteria: Athena Diagnostics Criteria. Collection method: clinical testing. Allele origin: unknown.

ARUP Laboratories, Molecular Genetics and Genomics, ARUP Laboratories
Classification: Uncertain significance. Last evaluated: 2019-07-23. Review status: criteria provided, single submitter. Criteria: ARUP Molecular Germline Variant Investigation Process. Collection method: clinical testing. Allele origin: germline.
Comment: The NOTCH3 c.6092G>A; p.Arg2031His variant (rs779314594), to our knowledge, is not reported in the medical literature or gene specific databases. This variant is found in the general population with an overall allele frequency of 0.006% (15/259256 alleles) in the Genome Aggregation Database. The arginine at codon 2031 is highly conserved, but computational analyses (SIFT, PolyPhen-2) predict that this variant is tolerated. Most pathogenic NOTCH3 variants occur in exons 2-24 and either create or destroy a cysteine residue within an EGF-like domain (Rutten 2014). However, there are several amino acid substitutions not involving cysteine that may be disease-associated (Muino 2017). Although the p.Arg2031His variant does not occur within this critical region or involve a cysteine residue, due to its low population frequency and conservation, its clinical significance is uncertain at this time. Muino E et al. Systematic Review of Cysteine-Sparing NOTCH3 Missense Mutations in Patients with Clinical Suspicion of CADASIL. Int J Mol Sci. 2017 Sep 13;18(9). pii: E1964. Rutten JW et al. Interpretation of NOTCH3 mutations in the diagnosis of CADASIL. Expert Rev Mol Diagn. 2014 Jun;14(5):593-603.

Literature cited by the submitters: PubMed 31339861 (cited by Athena Diagnostics).